The following is an entry in ClinVar:

ClinVar aggregate classification (germline): Uncertain significance (1 of 4 stars; one submission).

Conditions:
Short-rib thoracic dysplasia 6 with or without polydactyly (SRTD6). Also called: Majewski Syndrome; SHORT-RIB THORACIC DYSPLASIA 6 WITH POLYDACTYLY; SHORT-RIB THORACIC DYSPLASIA 6 WITHOUT POLYDACTYLY; POLYDACTYLY WITH NEONATAL CHONDRODYSTROPHY, TYPE II; SHORT RIB-POLYDACTYLY SYNDROME, TYPE IIA. Identifiers: MedGen C0024507, MONDO:0009894, OMIM 263520.

Submission:

Labcorp Genetics (formerly Invitae), Labcorp
Classification: Uncertain significance for Short-rib thoracic dysplasia 6 with or without polydactyly. Last evaluated: 2023-04-12. Review status: criteria provided, single submitter. Criteria: Invitae Variant Classification Sherloc (09022015). Collection method: clinical testing. Allele origin: germline.
Comment: In summary, the available evidence is currently insufficient to determine the role of this variant in disease. Therefore, it has been classified as a Variant of Uncertain Significance. Advanced modeling of protein sequence and biophysical properties (such as structural, functional, and spatial information, amino acid conservation, physicochemical variation, residue mobility, and thermodynamic stability) performed at Invitae indicates that this missense variant is expected to disrupt NEK1 protein function. This variant has not been reported in the literature in individuals affected with NEK1-related conditions. This variant is not present in population databases (gnomAD no frequency). This sequence change replaces leucine, which is neutral and non-polar, with arginine, which is basic and polar, at codon 623 of the NEK1 protein (p.Leu623Arg).

NM_001199397.3(NEK1):c.1952T>G (p.Leu651Arg)

Gene: NEK1 (NIMA related kinase 1; minus strand). Cytogenetic location: 4q33.
Variant type: single nucleotide variant.
Coding change: c.1952T>G on transcript NM_001199397.3 (MANE Select); coding-DNA position 1952, T replaced by G.
Protein change: p.Leu651Arg; replaces leucine 651 with arginine.
Molecular consequence: missense variant. On other transcripts: non-coding transcript variant (1), intron variant (1).
Genome position (GRCh38, 1-based): chr4:169,507,092, A>C on the plus strand (T>G on the coding strand, the complement: NEK1 is on the minus strand). VCF-style: chr4-169507092-A-C. GRCh37 (hg19) VCF-style: chr4-170428243-A-C.
Other names: c.1820T>G, p.Leu607Arg (NM_001199398.3); c.1661T>G, p.Leu554Arg (NM_001199399.3); c.1736T>G, p.Leu579Arg (NM_001199400.3); c.1952T>G, p.Leu651Arg (NM_001374418.1); c.1868T>G, p.Leu623Arg (NM_001374419.1, NM_012224.4); c.1817T>G, p.Leu606Arg (NM_001374420.1); c.1701+623T>G (NM_001374421.1); short protein forms L607R, L651R, L579R, L623R, L554R, L606R.
Identifiers: ClinVar variation 2796928 (VCV002796928.3), dbSNP rs2546545982, ClinGen allele CA358731353.
Genomic context (GRCh38, chr4:169,507,092, plus strand): 5'-CTTACATGCTCTTCCCACACTTTTTTTTCTCTCTCATAAGCCTCCTTTCTCTTTCGTTCT[A>C]GTTGTTCTTTTAGTACAGCAGCACGTGCATTTGCATGGGCCTAAAAATAAAAACAATTAA-3'
Protein context (NP_001186326.1, residues 641-661): NARAAVLKEQ[Leu651Arg]ERKRKEAYER